The following is an entry in ClinVar:

ClinVar aggregate classification (germline): Uncertain significance (1 of 4 stars; one submission).

Submission:

Labcorp Genetics (formerly Invitae), Labcorp
Classification: Uncertain significance. Last evaluated: 2025-11-10. Review status: criteria provided, single submitter. Criteria: Invitae Variant Classification Sherloc (09022015). Collection method: clinical testing. Allele origin: germline.
Comment: This sequence change replaces methionine, which is neutral and non-polar, with leucine, which is neutral and non-polar, at codon 1502 of the SON protein (p.Met1502Leu). This variant is not present in population databases (gnomAD no frequency). This variant has not been reported in the literature in individuals affected with SON-related conditions. ClinVar contains an entry for this variant (Variation ID: 2853993). An algorithm developed to predict the effect of missense changes on protein structure and function outputs the following: PolyPhen-2: "Benign". The leucine amino acid residue is found in multiple mammalian species, which suggests that this missense change does not adversely affect protein function. In summary, the available evidence is currently insufficient to determine the role of this variant in disease. Therefore, it has been classified as a Variant of Uncertain Significance.

NM_138927.4(SON):c.4504A>T (p.Met1502Leu)

Gene: SON (SON DNA and RNA binding protein; plus strand). Cytogenetic location: 21q22.11.
Variant type: single nucleotide variant.
Coding change: c.4504A>T on transcript NM_138927.4 (MANE Select); coding-DNA position 4504, A replaced by T.
Protein change: p.Met1502Leu; replaces methionine 1502 with leucine.
Molecular consequence: missense variant. On other transcripts: non-coding transcript variant (1), intron variant (1).
Genome position (GRCh38, 1-based): chr21:33,553,735, A>T. VCF-style: chr21-33553735-A-T. GRCh37 (hg19) VCF-style: chr21-34926041-A-T.
Other names: c.4504A>T, p.Met1502Leu (NM_001291411.2, NM_001412133.1, NM_032195.3 and 2 more transcripts); c.245-3421A>T (NM_001291412.3); short protein forms M1502L.
Identifiers: ClinVar variation 2853993 (VCV002853993.3), dbSNP rs374885357, ClinGen allele CA410162758.